The following is an entry in ClinVar:

NM_000081.4(LYST):c.3997G>C (p.Asp1333His)

Gene: LYST (lysosomal trafficking regulator; minus strand). Cytogenetic location: 1q42.3.
Variant type: single nucleotide variant.
Coding change: c.3997G>C on transcript NM_000081.4 (MANE Select); coding-DNA position 3997, G replaced by C.
Protein change: p.Asp1333His; replaces aspartic acid 1333 with histidine.
Molecular consequence: missense variant.
Genome position (GRCh38, 1-based): chr1:235,800,329, C>G on the plus strand (G>C on the coding strand, the complement: LYST is on the minus strand). VCF-style: chr1-235800329-C-G. GRCh37 (hg19) VCF-style: chr1-235963629-C-G.
Other names: c.3997G>C, p.Asp1333His (NM_001301365.1); short protein forms D1333H.
Identifiers: ClinVar variation 1462094 (VCV001462094.1), dbSNP rs1672071593, ClinGen allele CA344941779.

ClinVar aggregate classification (germline): Uncertain significance (1 of 4 stars; one submission).

Conditions:
Chédiak-Higashi syndrome (CHS). Also called: Chediak-Higashi Syndrome. Identifiers: Orphanet 167, MedGen C0007965, MONDO:0008963, OMIM 214500.

Submission:

Labcorp Genetics (formerly Invitae), Labcorp
Classification: Uncertain significance for Chédiak-Higashi syndrome. Last evaluated: 2021-11-08. Review status: criteria provided, single submitter. Criteria: Invitae Variant Classification Sherloc (09022015). Collection method: clinical testing. Allele origin: germline.
Comment: This sequence change replaces aspartic acid, which is acidic and polar, with histidine, which is basic and polar, at codon 1333 of the LYST protein (p.Asp1333His). This variant is not present in population databases (gnomAD no frequency). This variant has not been reported in the literature in individuals affected with LYST-related conditions. Algorithms developed to predict the effect of missense changes on protein structure and function (SIFT, PolyPhen-2, Align-GVGD) all suggest that this variant is likely to be tolerated. In summary, the available evidence is currently insufficient to determine the role of this variant in disease. Therefore, it has been classified as a Variant of Uncertain Significance.